The following is an entry in ClinVar:

ClinVar aggregate classification (germline): Pathogenic (1 of 4 stars; one submission).

Submission:

Labcorp Genetics (formerly Invitae), Labcorp
Classification: Pathogenic. Last evaluated: 2023-10-17. Review status: criteria provided, single submitter. Criteria: Invitae Variant Classification Sherloc (09022015). Collection method: clinical testing. Allele origin: unknown.
Comment: This variant is a gross deletion of the genomic region encompassing exon(s) 1-3 of the FNIP1 gene, which includes the initiator codon. This deletion extends beyond the assayed region for this gene and therefore may encompass additional genes. It is expected to result in an absent or disrupted protein product. Loss-of-function variants in FNIP1 are known to be pathogenic (PMID: 32181500, 32905580). This variant has not been reported in the literature in individuals affected with FNIP1-related conditions. For these reasons, this variant has been classified as Pathogenic.

Literature cited by the submitters: PubMed 32181500; PubMed 32905580.

NC_000005.9:g.(?_131066577)_(131132614_?)del

Gene: FNIP1 (folliculin interacting protein 1; minus strand). Cytogenetic location: 5q31.1.
Variant type: Deletion.
Identifiers: ClinVar variation 3246564 (VCV003246564.1).